The following is an entry in ClinVar:

NM_022455.5(NSD1):c.7780G>T (p.Ala2594Ser)

Gene: NSD1 (nuclear receptor binding SET domain protein 1; plus strand). Cytogenetic location: 5q35.3.
Variant type: single nucleotide variant.
Coding change: c.7780G>T on transcript NM_022455.5 (MANE Select); coding-DNA position 7780, G replaced by T.
Protein change: p.Ala2594Ser; replaces alanine 2594 with serine.
Molecular consequence: missense variant.
Genome position (GRCh38, 1-based): chr5:177,295,148, G>T. VCF-style: chr5-177295148-G-T. GRCh37 (hg19) VCF-style: chr5-176722149-G-T.
Other names: c.6907G>T, p.Ala2303Ser (NM_001365684.2, NM_001409308.1, NM_172349.5); c.7780G>T, p.Ala2594Ser (NM_001409301.1, NM_001409302.1, NM_001409303.1); c.7360G>T, p.Ala2454Ser (NM_001409304.1); c.7027G>T, p.Ala2343Ser (NM_001409305.1); c.7018G>T, p.Ala2340Ser (NM_001409306.1, NM_001409307.1); c.6658G>T, p.Ala2220Ser (NM_001409309.1); short protein forms A2594S, A2303S, A2340S, A2220S, A2343S, A2454S.
Identifiers: ClinVar variation 3700228 (VCV003700228.2).
Genomic context (GRCh38, chr5:177,295,148, plus strand): 5'-CCGGGCCTGGTGAAGCAGGCGAAGCAGATGGTCGGAGGCCAGCAACTACCTGCACTTGCC[G>T]CCAAGAGTGGGCAATCTTTTAGGTCTCTCGGGAAGGCCCCAGCCTCCCTCCCCACTGAAG-3'
Protein context (NP_071900.2, residues 2584-2604): VGGQQLPALA[Ala2594Ser]KSGQSFRSLG

ClinVar aggregate classification (germline): Uncertain significance (1 of 4 stars; one submission).

Submission:

Labcorp Genetics (formerly Invitae), Labcorp
Classification: Uncertain significance. Last evaluated: 2025-01-29. Review status: criteria provided, single submitter. Criteria: Invitae Variant Classification Sherloc (09022015). Collection method: clinical testing. Allele origin: germline.
Comment: This sequence change replaces alanine, which is neutral and non-polar, with serine, which is neutral and polar, at codon 2594 of the NSD1 protein (p.Ala2594Ser). This variant is not present in population databases (gnomAD no frequency). This variant has not been reported in the literature in individuals affected with NSD1-related conditions. Invitae Evidence Modeling of protein sequence and biophysical properties (such as structural, functional, and spatial information, amino acid conservation, physicochemical variation, residue mobility, and thermodynamic stability) indicates that this missense variant is not expected to disrupt NSD1 protein function with a negative predictive value of 95%. In summary, the available evidence is currently insufficient to determine the role of this variant in disease. Therefore, it has been classified as a Variant of Uncertain Significance.